The following is an entry in ClinVar:

NM_000541.5(SAG):c.1167T>G (p.Asp389Glu)

Gene: SAG (S-antigen visual arrestin; plus strand). Cytogenetic location: 2q37.1.
Variant type: single nucleotide variant.
Coding change: c.1167T>G on transcript NM_000541.5 (MANE Select); coding-DNA position 1167, T replaced by G.
Protein change: p.Asp389Glu; replaces aspartic acid 389 with glutamic acid.
Molecular consequence: missense variant.
Genome position (GRCh38, 1-based): chr2:233,346,861, T>G. VCF-style: chr2-233346861-T-G. GRCh37 (hg19) VCF-style: chr2-234255507-T-G.
Other names: short protein forms D389E.
Identifiers: ClinVar variation 2081095 (VCV002081095.4), dbSNP rs199798289, ClinGen allele CA351050410.

ClinVar aggregate classification (germline): Uncertain significance (1 of 4 stars; one submission).

Submission:

Labcorp Genetics (formerly Invitae), Labcorp
Classification: Uncertain significance. Last evaluated: 2024-11-05. Review status: criteria provided, single submitter. Criteria: Invitae Variant Classification Sherloc (09022015). Collection method: clinical testing. Allele origin: germline.
Comment: This sequence change replaces aspartic acid, which is acidic and polar, with glutamic acid, which is acidic and polar, at codon 389 of the SAG protein (p.Asp389Glu). This variant is not present in population databases (gnomAD no frequency). This variant has not been reported in the literature in individuals affected with SAG-related conditions. ClinVar contains an entry for this variant (Variation ID: 2081095). An algorithm developed to predict the effect of missense changes on protein structure and function (PolyPhen-2) suggests that this variant is likely to be tolerated. In summary, the available evidence is currently insufficient to determine the role of this variant in disease. Therefore, it has been classified as a Variant of Uncertain Significance.